The following is an entry in ClinVar:

ClinVar aggregate classification (germline): Uncertain significance (1 of 4 stars; one submission).

Conditions:
Hereditary cancer-predisposing syndrome. Also called: Tumor predisposition; Neoplastic Syndromes, Hereditary; Hereditary Cancer Syndrome; Hereditary neoplastic syndrome. Identifiers: Orphanet 140162, MedGen C0027672, MeSH D009386, MONDO:0015356.

gnomAD v4.1: 1 of 1,613,598 alleles (0.000062%); highest among the groups gnomAD compares: Non-Finnish European, 0.000085%; no homozygotes.

Submission:

Ambry Genetics
Classification: Uncertain significance for Hereditary cancer-predisposing syndrome. Last evaluated: 2024-09-26. Review status: criteria provided, single submitter. Criteria: Ambry Variant Classification Scheme 2023. Collection method: clinical testing. Allele origin: germline.
Comment: The p.S7F variant (also known as c.20C>T), located in coding exon 1 of the CDKN1B gene, results from a C to T substitution at nucleotide position 20. The serine at codon 7 is replaced by phenylalanine, an amino acid with highly dissimilar properties. This amino acid position is conserved. In addition, this alteration is predicted to be deleterious by in silico analysis. Based on the available evidence, the clinical significance of this variant remains unclear.

NM_004064.5(CDKN1B):c.20C>T (p.Ser7Phe)

Gene: CDKN1B (cyclin dependent kinase inhibitor 1B; plus strand). Cytogenetic location: 12p13.1.
Variant type: single nucleotide variant.
Coding change: c.20C>T on transcript NM_004064.5 (MANE Select); coding-DNA position 20, C replaced by T.
Protein change: p.Ser7Phe; replaces serine 7 with phenylalanine.
Molecular consequence: missense variant.
Genome position (GRCh38, 1-based): chr12:12,717,859, C>T. VCF-style: chr12-12717859-C-T. GRCh37 (hg19) VCF-style: chr12-12870793-C-T.
Other names: short protein forms S7F.
Identifiers: ClinVar variation 3489632 (VCV003489632.1).